The following is an entry in ClinVar:

NM_000238.4(KCNH2):c.552_573del (p.Ala185fs)

Gene: KCNH2 (potassium voltage-gated channel subfamily H member 2; minus strand). Cytogenetic location: 7q36.1.
Variant type: Deletion.
Coding change: c.552_573del on transcript NM_000238.4 (MANE Select); coding-DNA positions 552 to 573, 22 bases deleted (CGCGGGCGGCGCGGGCGCCCCG).
Protein change: p.Ala185fs; shifts the reading frame from alanine 185.
Molecular consequence: frameshift variant. On other transcripts: non-coding transcript variant (1).
Genome position (GRCh38, 1-based): chr7:150,958,402-150,958,423, CGGGGCGCCCGCGCCGCCCGCG deleted on the plus strand (CGCGGGCGGCGCGGGCGCCCCG on the coding strand, the reverse complement: KCNH2 is on the minus strand); deleting any 22 consecutive bases within chr7:150,958,402-150,958,424 gives the same sequence; the c. name uses the placement nearest the transcript's 3' end. VCF-style (leftmost placement, unchanged base first): chr7-150958401-CCGGGGCGCCCGCGCCGCCCGCG-C. GRCh37 (hg19) VCF-style: chr7-150655489-CCGGGGCGCCCGCGCCGCCCGCG-C.
Other names: c.264_285del, p.Ala89fs (NM_001406753.1, NM_001406756.1); c.375_396del, p.Ala126fs (NM_001406755.1); c.252_273del, p.Ala85fs (NM_001406757.1); c.552_573del, p.Ala185fs (NM_172056.3); c.552_573del22 (NM_000238.3); short protein forms A126fs, A185fs, A85fs, A89fs.
Identifiers: ClinVar variation 4804554 (VCV004804554.2).

ClinVar aggregate classification (germline): Pathogenic. Review status: criteria provided, multiple submitters, no conflicts (2 of 4 stars). 2 submissions from 2 submitters: Pathogenic (2). Last evaluated 2026-04-29.

Conditions:
Long QT syndrome (LQTS). Identifiers: MedGen C0023976, MeSH D008133, MONDO:0002442. Disease mechanism: loss of function. Inheritance: Various modes of inheritance.
Cardiovascular phenotype. Identifiers: MedGen CN230736.

Submissions (2):

Ambry Genetics
Classification: Pathogenic for Cardiovascular phenotype. Last evaluated: 2026-04-29. Review status: criteria provided, single submitter. Criteria: Ambry Variant Classification Scheme 2023. Collection method: clinical testing. Allele origin: germline.
Comment: The c.552_573del22 pathogenic mutation, located in coding exon 4 of the KCNH2 gene, results from a deletion of 22 nucleotides at nucleotide positions 552 to 573, causing a translational frameshift with a predicted alternate stop codon (p.A185Gfs*9). This variant was reported in individual(s) with features consistent with long QT syndrome (Ambry internal data). This variant is considered to be rare based on population cohorts in the Genome Aggregation Database (gnomAD). This alteration is expected to result in loss of function by premature protein truncation or nonsense-mediated mRNA decay. As such, this alteration is interpreted as a disease-causing mutation.

Labcorp Genetics (formerly Invitae), Labcorp
Classification: Pathogenic for Long QT syndrome. Last evaluated: 2025-10-08. Review status: criteria provided, single submitter. Criteria: Invitae Variant Classification Sherloc (09022015). Collection method: clinical testing. Allele origin: germline.
Comment: This sequence change creates a premature translational stop signal (p.Ala185Glyfs*9) in the KCNH2 gene. It is expected to result in an absent or disrupted protein product. Loss-of-function variants in KCNH2 are known to be pathogenic (PMID: 10973849, 19862833). This variant is not present in population databases (gnomAD no frequency). This variant has not been reported in the literature in individuals affected with KCNH2-related conditions. For these reasons, this variant has been classified as Pathogenic.

Literature cited by the submitters: PubMed 10973849 (cited by Labcorp Genetics (formerly Invitae), Labcorp); PubMed 19862833 (cited by Labcorp Genetics (formerly Invitae), Labcorp).